The following is an entry in ClinVar:

ClinVar aggregate classification (germline): Uncertain significance. Review status: criteria provided, single submitter (1 of 4 stars). 3 submissions from 3 submitters: Uncertain significance (1). 2 of the submissions do not count toward it. Last evaluated 2025-10-13.

Conditions:
Wilson-Turner syndrome (WTS). Also called: INTELLECTUAL DEVELOPMENTAL DISORDER, X-LINKED, SYNDROMIC, WILSON-TURNER TYPE; MENTAL RETARDATION, X-LINKED, SYNDROMIC 6. Identifiers: Orphanet 3459, MedGen C1839736, MONDO:0010665, OMIM 309585.

Allele frequency attached by ClinVar (database versions not stated): gnomAD 0.00002; gnomAD exomes 0.00002 and 0.00003; TOPMed 0.00003.
gnomAD v4.1: 13 of 1,210,283 alleles (0.0011%); highest among the groups gnomAD compares: Non-Finnish European, 0.0015%; no homozygotes.

Submissions (3):

Labcorp Genetics (formerly Invitae), Labcorp
Classification: Uncertain significance for Wilson-Turner syndrome. Last evaluated: 2025-10-13. Review status: criteria provided, single submitter. Criteria: Invitae Variant Classification Sherloc (09022015). Collection method: clinical testing. Allele origin: germline.
Comment: This sequence change replaces serine, which is neutral and polar, with tyrosine, which is neutral and polar, at codon 617 of the LAS1L protein (p.Ser617Tyr). This variant is present in population databases (no rsID available, gnomAD 0.004%). This variant has not been reported in the literature in individuals affected with LAS1L-related conditions. ClinVar contains an entry for this variant (Variation ID: 1206216). Invitae Evidence Modeling of protein sequence and biophysical properties (such as structural, functional, and spatial information, amino acid conservation, physicochemical variation, residue mobility, and thermodynamic stability) indicates that this missense variant is not expected to disrupt LAS1L protein function with a negative predictive value of 80%. In summary, the available evidence is currently insufficient to determine the role of this variant in disease. Therefore, it has been classified as a Variant of Uncertain Significance.

Clinical Genetics DNA and cytogenetics Diagnostics Lab, Erasmus MC, Erasmus Medical Center
Classification: Likely benign. Review status: no assertion criteria provided. Collection method: clinical testing. Allele origin: germline. Affected: yes. Study: VKGL Data-share Consensus. Not counted in ClinVar's aggregate classification.

Laboratory of Diagnostic Genome Analysis, Leiden University Medical Center (LUMC)
Classification: Likely benign. Review status: no assertion criteria provided. Collection method: clinical testing. Allele origin: germline. Affected: yes. Study: VKGL Data-share Consensus. Not counted in ClinVar's aggregate classification.

NM_031206.7(LAS1L):c.1850C>A (p.Ser617Tyr)

Gene: LAS1L (LAS1 like ribosome biogenesis factor; minus strand). Cytogenetic location: Xq12.
Variant type: single nucleotide variant.
Coding change: c.1850C>A on transcript NM_031206.7 (MANE Select); coding-DNA position 1850, C replaced by A.
Protein change: p.Ser617Tyr; replaces serine 617 with tyrosine.
Molecular consequence: missense variant. On other transcripts: non-coding transcript variant (1).
Genome position (GRCh38, 1-based): chrX:65,518,064, G>T on the plus strand (C>A on the coding strand, the complement: LAS1L is on the minus strand). VCF-style: chrX-65518064-G-T. GRCh37 (hg19) VCF-style: chrX-64737944-G-T.
Other names: c.1799C>A, p.Ser600Tyr (NM_001170649.2, NM_001375333.1); c.1673C>A, p.Ser558Tyr (NM_001170650.2); c.1850C>A, p.Ser617Tyr (NM_001375328.1); c.893C>A, p.Ser298Tyr (NM_001375332.1); short protein forms S298Y, S558Y, S600Y, S617Y.
Identifiers: ClinVar variation 1206216 (VCV001206216.3), dbSNP rs1286427765, ClinGen allele CA413314865.